The following is an entry in ClinVar:

ClinVar aggregate classification (germline): Uncertain significance (1 of 4 stars; one submission).

gnomAD v4.1: 19 of 1,612,810 alleles (0.0012%); highest among the groups gnomAD compares: Non-Finnish European, 0.0016%; no homozygotes.

Submission:

GeneDx
Classification: Uncertain significance. Last evaluated: 2024-10-02. Review status: criteria provided, single submitter. Criteria: GeneDx Variant Classification Process June 2021. Collection method: clinical testing. Allele origin: germline. Affected: yes.
Comment: Not observed at significant frequency in large population cohorts (gnomAD); In silico analysis supports that this missense variant has a deleterious effect on protein structure/function; Has not been previously published as pathogenic or benign to our knowledge

NM_033109.5(PNPT1):c.1655A>C (p.Lys552Thr)

Gene: PNPT1 (polyribonucleotide nucleotidyltransferase 1; minus strand). Cytogenetic location: 2p16.1.
Variant type: single nucleotide variant.
Coding change: c.1655A>C on transcript NM_033109.5 (MANE Select); coding-DNA position 1655, A replaced by C.
Protein change: p.Lys552Thr; replaces lysine 552 with threonine.
Molecular consequence: missense variant.
Genome position (GRCh38, 1-based): chr2:55,646,434, T>G on the plus strand (A>C on the coding strand, the complement: PNPT1 is on the minus strand). VCF-style: chr2-55646434-T-G. GRCh37 (hg19) VCF-style: chr2-55873569-T-G.
Other names: short protein forms K552T.
Identifiers: ClinVar variation 3776566 (VCV003776566.1).